The following is an entry in ClinVar:

ClinVar aggregate classification (germline): Benign (1 of 4 stars; one submission).

Conditions:
Renal tubular dysgenesis. Also called: Renotubular dysgenesis. Identifiers: Orphanet 3033, MedGen C0266313, MONDO:0017609, HP:0008660.

Allele frequency attached by ClinVar (database versions not stated): TOPMed 0.00453; gnomAD 0.00429 and 0.00392; 1000 Genomes Project 0.00479; 1000 Genomes Project 30x 0.00687.

Submission:

Illumina Laboratory Services, Illumina
Classification: Benign for Renal tubular dysgenesis of genetic origin. Last evaluated: 2018-01-13. Review status: criteria provided, single submitter. Criteria: ICSL Variant Classification Criteria 13 December 2019. Collection method: clinical testing. Allele origin: germline.
Comment: This variant was observed in the ICSL laboratory as part of a predisposition screen in an ostensibly healthy population. It had not been previously curated by ICSL or reported in the Human Gene Mutation Database (HGMD: prior to June 1st, 2018), and was therefore a candidate for classification through an automated scoring system. Utilizing variant allele frequency, disease prevalence and penetrance estimates, and inheritance mode, an automated score was calculated to assess if this variant is too frequent to cause the disease. Based on the score and internal cut-off values, a variant classified as benign is not then subjected to further curation. The score for this variant resulted in a classification of benign for this disease.

NM_031850.3(AGTR1):c.-329G>T

Gene: AGTR1 (angiotensin II receptor type 1; plus strand). Cytogenetic location: 3q24.
Variant type: single nucleotide variant.
Coding change: c.-329G>T on transcript NM_031850.3; 329 bases upstream of the start codon, G replaced by T.
Genome position (GRCh38, 1-based): chr3:148,697,883, G>T. VCF-style: chr3-148697883-G-T. GRCh37 (hg19) VCF-style: chr3-148415670-G-T.
Identifiers: ClinVar variation 343663 (VCV000343663.7), dbSNP rs148296224, ClinGen allele CA10615478.